The following is an entry in ClinVar:

ClinVar aggregate classification (germline): Likely pathogenic. Review status: criteria provided, single submitter (1 of 4 stars). 2 submissions from 2 submitters: Likely pathogenic (1). 1 of the submissions does not count toward it. Last evaluated 2024-04-29.

Conditions:
Hypertrophic cardiomyopathy. Also called: HYPERTROPHIC MYOCARDIOPATHY. Identifiers: Orphanet 217569, MedGen C0007194, MeSH D002312, MONDO:0005045, HP:0001639.

Submissions (2):

Labcorp Genetics (formerly Invitae), Labcorp
Classification: Likely pathogenic for Hypertrophic cardiomyopathy. Last evaluated: 2024-04-29. Review status: criteria provided, single submitter. Criteria: Invitae Variant Classification Sherloc (09022015). Collection method: clinical testing. Allele origin: germline.
Comment: This sequence change replaces glutamic acid, which is acidic and polar, with valine, which is neutral and non-polar, at codon 180 of the TPM1 protein (p.Glu180Val). This variant is not present in population databases (gnomAD no frequency). This missense change has been observed in individuals with hypertrophic cardiomyopathy (PMID: 11044437; Invitae). ClinVar contains an entry for this variant (Variation ID: 31880). An algorithm developed to predict the effect of missense changes on protein structure and function (PolyPhen-2) suggests that this variant is likely to be disruptive. Experimental studies have shown that this missense change affects TPM1 function (PMID: 27983818). This variant disrupts the p.Glu180 amino acid residue in TPM1. Other variant(s) that disrupt this residue have been determined to be pathogenic (PMID: 8205619, 9245729, 11603924, 22155441, 22789852; Invitae). This suggests that this residue is clinically significant, and that variants that disrupt this residue are likely to be disease-causing. In summary, the currently available evidence indicates that the variant is pathogenic, but additional data are needed to prove that conclusively. Therefore, this variant has been classified as Likely Pathogenic.

Leiden Muscular Dystrophy (TPM1)
No classification provided. Last evaluated: 2012-04-15. Review status: no classification provided. Collection method: curation. Allele origin: germline. Not counted in ClinVar's aggregate classification.

Literature cited by the submitters: PubMed 11044437 (cited by Labcorp Genetics (formerly Invitae), Labcorp); PubMed 27983818 (cited by Labcorp Genetics (formerly Invitae), Labcorp); PubMed 8205619 (cited by Labcorp Genetics (formerly Invitae), Labcorp); PubMed 9245729 (cited by Labcorp Genetics (formerly Invitae), Labcorp); PubMed 11603924 (cited by Labcorp Genetics (formerly Invitae), Labcorp); PubMed 22155441 (cited by Labcorp Genetics (formerly Invitae), Labcorp); PubMed 22789852 (cited by Labcorp Genetics (formerly Invitae), Labcorp).

NM_001018005.2(TPM1):c.539A>T (p.Glu180Val)

Gene: TPM1 (tropomyosin 1; plus strand). Cytogenetic location: 15q22.2.
Variant type: single nucleotide variant.
Coding change: c.539A>T on transcript NM_001018005.2 (MANE Select); coding-DNA position 539, A replaced by T.
Protein change: p.Glu180Val; replaces glutamic acid 180 with valine.
Molecular consequence: missense variant.
Genome position (GRCh38, 1-based): chr15:63,060,915, A>T. VCF-style: chr15-63060915-A-T. GRCh37 (hg19) VCF-style: chr15-63353114-A-T.
Other names: c.539A>T, p.Glu180Val (NM_000366.6, NM_001018004.2, NM_001018006.2 and 6 more transcripts); c.431A>T, p.Glu144Val (NM_001018008.2, NM_001301289.2, NM_001330344.2 and 5 more transcripts); c.665A>T, p.Glu222Val (NM_001365778.1); short protein forms E180V, E144V, E222V.
Identifiers: ClinVar variation 31880 (VCV000031880.7), dbSNP rs104894502, ClinGen allele CA019024.
Genomic context (GRCh38, chr15:63,060,915, plus strand): 5'-TCTTCCTGCTGCAGGTGGCCCGTAAGCTGGTCATCATTGAGAGCGACCTGGAACGTGCAG[A>T]GGAGCGGGCTGAGCTCTCAGAAGGGTAAGCGGGCCCGGCGCCAGGAGGCCACGAATGGGG-3'
Protein context (NP_001018005.1, residues 170-190): VIIESDLERA[Glu180Val]ERAELSEGKC